The following is an entry in ClinVar:

ClinVar aggregate classification (germline): Uncertain significance. Review status: criteria provided, multiple submitters, no conflicts (2 of 4 stars). 3 submissions from 3 submitters: Uncertain significance (3). Last evaluated 2022-07-23.

Conditions:
Cardiovascular phenotype. Identifiers: MedGen CN230736.
Dilated cardiomyopathy 1KK (CMD1KK). Identifiers: Orphanet 154, Orphanet 75249, MedGen C3714995, MONDO:0014100, OMIM 615248.

Allele frequency attached by ClinVar (database versions not stated): gnomAD exomes below 0.00001.
gnomAD v4.1: 7 of 1,610,250 alleles (0.00043%); highest among the groups gnomAD compares: Non-Finnish European, 0.00059%; no homozygotes.

Submissions (3):

Ambry Genetics
Classification: Uncertain significance for Cardiovascular phenotype. Last evaluated: 2022-07-23. Review status: criteria provided, single submitter. Criteria: Ambry Variant Classification Scheme 2023. Collection method: clinical testing. Allele origin: germline.
Comment: The p.L1159Q variant (also known as c.3476T>A), located in coding exon 16 of the MYPN gene, results from a T to A substitution at nucleotide position 3476. The leucine at codon 1159 is replaced by glutamine, an amino acid with dissimilar properties. This amino acid position is conserved. In addition, this alteration is predicted to be deleterious by in silico analysis. Since supporting evidence is limited at this time, the clinical significance of this alteration remains unclear.

Labcorp Genetics (formerly Invitae), Labcorp
Classification: Uncertain significance for Dilated cardiomyopathy 1KK. Last evaluated: 2022-04-02. Review status: criteria provided, single submitter. Criteria: Invitae Variant Classification Sherloc (09022015). Collection method: clinical testing. Allele origin: germline.
Comment: In summary, the available evidence is currently insufficient to determine the role of this variant in disease. Therefore, it has been classified as a Variant of Uncertain Significance. Algorithms developed to predict the effect of sequence changes on RNA splicing suggest that this variant may disrupt the consensus splice site. Algorithms developed to predict the effect of missense changes on protein structure and function are either unavailable or do not agree on the potential impact of this missense change (SIFT: "Deleterious"; PolyPhen-2: "Probably Damaging"; Align-GVGD: "Class C0"). ClinVar contains an entry for this variant (Variation ID: 806493). This variant has not been reported in the literature in individuals affected with MYPN-related conditions. This variant is present in population databases (no rsID available, gnomAD 0.0009%). This sequence change replaces leucine, which is neutral and non-polar, with glutamine, which is neutral and polar, at codon 1159 of the MYPN protein (p.Leu1159Gln).

CeGaT Center for Human Genetics Tuebingen
Classification: Uncertain significance. Last evaluated: 2022-04-01. Review status: criteria provided, single submitter. Criteria: CeGaT Center For Human Genetics Tuebingen Variant Classification Criteria Version 2. Collection method: clinical testing. Allele origin: germline. Affected: yes. Observed: 1 variant allele.
Comment: MYPN: PM2

NM_032578.4(MYPN):c.3476T>A (p.Leu1159Gln)

Gene: MYPN (myopalladin; plus strand). Cytogenetic location: 10q21.3.
Variant type: single nucleotide variant.
Coding change: c.3476T>A on transcript NM_032578.4 (MANE Select); coding-DNA position 3476, T replaced by A.
Protein change: p.Leu1159Gln; replaces leucine 1159 with glutamine.
Molecular consequence: missense variant. On other transcripts: non-coding transcript variant (2).
Genome position (GRCh38, 1-based): chr10:68,199,558, T>A. VCF-style: chr10-68199558-T-A. GRCh37 (hg19) VCF-style: chr10-69959315-T-A.
Other names: c.3476T>A, p.Leu1159Gln (NM_001256267.2); c.2594T>A, p.Leu865Gln (NM_001256268.2); short protein forms L865Q, L1159Q.
Identifiers: ClinVar variation 806493 (VCV000806493.39), dbSNP rs1422495386, ClinGen allele CA376859413.
Genomic context (GRCh38, chr10:68,199,558, plus strand): 5'-GCGACGCAGGGACCTATAAGTGCATCGCTACCAACAAAACCGGGCAGAATTCTTTTAGTC[T>A]GGAGCTCTCTGTAGTAGGTAAGGTTTGCTGCTGGGACCCCTAAACACAACTTCCTCCAAA-3'
Protein context (NP_115967.2, residues 1149-1169): TNKTGQNSFS[Leu1159Gln]ELSVVAKEVK